The following is an entry in ClinVar:

NM_032816.5(CEP89):c.1183A>G (p.Arg395Gly)

Gene: CEP89 (centrosomal protein 89; minus strand). Cytogenetic location: 19q13.11.
Variant type: single nucleotide variant.
Coding change: c.1183A>G on transcript NM_032816.5 (MANE Select); coding-DNA position 1183, A replaced by G.
Protein change: p.Arg395Gly; replaces arginine 395 with glycine.
Molecular consequence: missense variant.
Genome position (GRCh38, 1-based): chr19:32,923,524, T>C on the plus strand (A>G on the coding strand, the complement: CEP89 is on the minus strand). VCF-style: chr19-32923524-T-C. GRCh37 (hg19) VCF-style: chr19-33414430-T-C.
Other names: short protein forms R395G.
Identifiers: ClinVar variation 3643763 (VCV003643763.2).

ClinVar aggregate classification (germline): Uncertain significance (1 of 4 stars; one submission).

Submission:

Labcorp Genetics (formerly Invitae), Labcorp
Classification: Uncertain significance. Last evaluated: 2024-02-29. Review status: criteria provided, single submitter. Criteria: Invitae Variant Classification Sherloc (09022015). Collection method: clinical testing. Allele origin: germline.
Comment: This sequence change replaces arginine, which is basic and polar, with glycine, which is neutral and non-polar, at codon 395 of the CEP89 protein (p.Arg395Gly). This variant is not present in population databases (gnomAD no frequency). This variant has not been reported in the literature in individuals affected with CEP89-related conditions. An algorithm developed to predict the effect of missense changes on protein structure and function (PolyPhen-2) suggests that this variant is likely to be disruptive. In summary, the available evidence is currently insufficient to determine the role of this variant in disease. Therefore, it has been classified as a Variant of Uncertain Significance.